The following is an entry in ClinVar:

ClinVar aggregate classification (germline): Uncertain significance (1 of 4 stars; one submission).

Conditions:
Isolated microphthalmia 2. Identifiers: Orphanet 2542, MedGen C1864720, MONDO:0012409, OMIM 610093.

Allele frequency attached by ClinVar (database versions not stated): gnomAD 0.00001; gnomAD exomes 0.00001; TOPMed 0.00004.
gnomAD v4.1: 11 of 1,550,496 alleles (0.00071%); highest among the groups gnomAD compares: Admixed American, 0.018%; no homozygotes.

Submission:

Labcorp Genetics (formerly Invitae), Labcorp
Classification: Uncertain significance for Isolated microphthalmia 2. Last evaluated: 2022-07-19. Review status: criteria provided, single submitter. Criteria: Invitae Variant Classification Sherloc (09022015). Collection method: clinical testing. Allele origin: germline.
Comment: This sequence change replaces glutamine, which is neutral and polar, with arginine, which is basic and polar, at codon 35 of the VSX2 protein (p.Gln35Arg). This variant is present in population databases (no rsID available, gnomAD 0.03%). This variant has not been reported in the literature in individuals affected with VSX2-related conditions. Algorithms developed to predict the effect of missense changes on protein structure and function are either unavailable or do not agree on the potential impact of this missense change (SIFT: "Deleterious"; PolyPhen-2: "Possibly Damaging"; Align-GVGD: "Class C0"). In summary, the available evidence is currently insufficient to determine the role of this variant in disease. Therefore, it has been classified as a Variant of Uncertain Significance.

NM_182894.3(VSX2):c.104A>G (p.Gln35Arg)

Gene: VSX2 (visual system homeobox 2; plus strand). Cytogenetic location: 14q24.3.
Variant type: single nucleotide variant.
Coding change: c.104A>G on transcript NM_182894.3 (MANE Select); coding-DNA position 104, A replaced by G.
Protein change: p.Gln35Arg; replaces glutamine 35 with arginine.
Molecular consequence: missense variant.
Genome position (GRCh38, 1-based): chr14:74,239,665, A>G. VCF-style: chr14-74239665-A-G. GRCh37 (hg19) VCF-style: chr14-74706368-A-G.
Other names: short protein forms Q35R.
Identifiers: ClinVar variation 1990009 (VCV001990009.1), dbSNP rs1230845124, ClinGen allele CA390359804.